The following is an entry in ClinVar:

ClinVar aggregate classification (germline): Likely pathogenic (1 of 4 stars; one submission).

Submission:

Mayo Clinic Laboratories, Mayo Clinic
Classification: Likely pathogenic. Last evaluated: 2025-05-19. Review status: criteria provided, single submitter. Criteria: ACMG Guidelines, 2015. Collection method: clinical testing. Allele origin: germline. Observed: 1 variant allele.
Comment: PM2_supporting, PVS1

NM_015102.5(NPHP4):c.1190T>A (p.Leu397Ter)

Gene: NPHP4 (nephrocystin 4; minus strand). Cytogenetic location: 1p36.31.
Variant type: single nucleotide variant.
Coding change: c.1190T>A on transcript NM_015102.5 (MANE Select); coding-DNA position 1190, T replaced by A.
Protein change: p.Leu397Ter; replaces leucine 397 with a stop codon.
Molecular consequence: nonsense. On other transcripts: 5 prime UTR variant (2), non-coding transcript variant (1).
Genome position (GRCh38, 1-based): chr1:5,933,259, A>T on the plus strand (T>A on the coding strand, the complement: NPHP4 is on the minus strand). VCF-style: chr1-5933259-A-T. GRCh37 (hg19) VCF-style: chr1-5993319-A-T.
Other names: p.Leu397*; c.-177T>A (NM_001291593.2, NM_001291594.2); short protein forms L397*.
Identifiers: ClinVar variation 4541597 (VCV004541597.1).